The following is an entry in ClinVar:

ClinVar aggregate classification (germline): Uncertain significance. Review status: criteria provided, multiple submitters, no conflicts (2 of 4 stars). 2 submissions from 2 submitters: Uncertain significance (2). Last evaluated 2024-06-19.

Conditions:
Neurofibromatosis, type 1 (NF1). Also called: VON RECKLINGHAUSEN DISEASE; NEUROFIBROMATOSIS, TYPE I, SOMATIC; Peripheral type neurofibromatosis; Neurofibromatosis, type I. Identifiers: Orphanet 636, MedGen C0027831, MONDO:0018975, OMIM 162200. Disease mechanism: loss of function.
Cardiovascular phenotype. Identifiers: MedGen CN230736.
Hereditary cancer-predisposing syndrome. Also called: Neoplastic Syndromes, Hereditary; Tumor predisposition; Hereditary neoplastic syndrome; Hereditary Cancer Syndrome. Identifiers: Orphanet 140162, MedGen C0027672, MeSH D009386, MONDO:0015356.

Submissions (2):

Labcorp Genetics (formerly Invitae), Labcorp
Classification: Uncertain significance for Neurofibromatosis, type 1. Last evaluated: 2024-06-19. Review status: criteria provided, single submitter. Criteria: Invitae Variant Classification Sherloc (09022015). Collection method: clinical testing. Allele origin: germline.
Comment: This sequence change replaces glutamine, which is neutral and polar, with glutamic acid, which is acidic and polar, at codon 1794 of the NF1 protein (p.Gln1794Glu). This variant is not present in population databases (gnomAD no frequency). This variant has not been reported in the literature in individuals affected with NF1-related conditions. ClinVar contains an entry for this variant (Variation ID: 527584). Advanced modeling of protein sequence and biophysical properties (such as structural, functional, and spatial information, amino acid conservation, physicochemical variation, residue mobility, and thermodynamic stability) performed at Invitae indicates that this missense variant is not expected to disrupt NF1 protein function with a negative predictive value of 95%. In summary, the available evidence is currently insufficient to determine the role of this variant in disease. Therefore, it has been classified as a Variant of Uncertain Significance.

Ambry Genetics
Classification: Uncertain significance for Cardiovascular phenotype; Hereditary cancer-predisposing syndrome. Last evaluated: 2023-04-06. Review status: criteria provided, single submitter. Criteria: Ambry Variant Classification Scheme 2023. Collection method: clinical testing. Allele origin: germline.
Comment: The p.Q1794E variant (also known as c.5380C>G), located in coding exon 37 of the NF1 gene, results from a C to G substitution at nucleotide position 5380. The glutamine at codon 1794 is replaced by glutamic acid, an amino acid with highly similar properties. This amino acid position is highly conserved in available vertebrate species. In addition, the in silico prediction for this alteration is inconclusive. Since supporting evidence is limited at this time, the clinical significance of this alteration remains unclear.

NM_001042492.3(NF1):c.5443C>G (p.Gln1815Glu)

Gene: NF1 (neurofibromin 1; plus strand). Cytogenetic location: 17q11.2.
Variant type: single nucleotide variant.
Coding change: c.5443C>G on transcript NM_001042492.3 (MANE Select); coding-DNA position 5443, C replaced by G.
Protein change: p.Gln1815Glu; replaces glutamine 1815 with glutamic acid.
Molecular consequence: missense variant.
Genome position (GRCh38, 1-based): chr17:31,327,673, C>G. VCF-style: chr17-31327673-C-G. GRCh37 (hg19) VCF-style: chr17-29654691-C-G.
Other names: c.5380C>G, p.Gln1794Glu (NM_000267.4); short protein forms Q1794E, Q1815E.
Identifiers: ClinVar variation 527584 (VCV000527584.8), dbSNP rs1555533587, ClinGen allele CA399009452.